The following is an entry in ClinVar:

NM_000071.3(CBS):c.862G>A (p.Ala288Thr)

Gene: CBS (cystathionine beta-synthase; minus strand). Cytogenetic location: 21q22.3.
Variant type: single nucleotide variant.
Coding change: c.862G>A on transcript NM_000071.3 (MANE Select); coding-DNA position 862, G replaced by A.
Protein change: p.Ala288Thr; replaces alanine 288 with threonine.
Molecular consequence: missense variant.
Genome position (GRCh38, 1-based): chr21:43,063,045, C>T on the plus strand (G>A on the coding strand, the complement: CBS is on the minus strand). VCF-style: chr21-43063045-C-T. GRCh37 (hg19) VCF-style: chr21-44483155-C-T.
Other names: c.862G>A, p.Ala288Thr (NM_001178008.3, NM_001178009.3, NM_001320298.2); c.547G>A, p.Ala183Thr (NM_001321072.1); short protein forms A288T, A183T.
Identifiers: ClinVar variation 555709 (VCV000555709.9), dbSNP rs141502207, ClinGen allele CA321091505.

ClinVar aggregate classification (germline): Pathogenic/Likely pathogenic. Review status: criteria provided, multiple submitters, no conflicts (2 of 4 stars). 6 submissions from 6 submitters: Pathogenic (1); Likely pathogenic (4). 1 of the submissions does not count toward it. Last evaluated 2024-12-27.

Conditions:
Familial thoracic aortic aneurysm and aortic dissection (TAAD). Also called: Thoracic aortic aneurysms and dissections. Identifiers: Orphanet 91387, MedGen C4707243, MONDO:0019625.
Classic homocystinuria. Also called: HOMOCYSTINURIA WITH OR WITHOUT RESPONSE TO PYRIDOXINE; Homocystinuria due to Cystathionine Beta-Synthase Deficiency; Homocystinuria due to CBS deficiency; Cystathionine beta-synthase deficiency; CBS deficiency. Identifiers: Orphanet 394, MedGen C0751202, MONDO:0009352, OMIM 236200.
Homocystinuria. Identifiers: MedGen C0019880, MONDO:0004737, HP:0002156.

Allele frequency attached by ClinVar (database versions not stated): ExAC 0.00001.

Submissions (6):

Natera, Inc.
Classification: Likely pathogenic for Homocystinuria due to cystathionine beta-synthase deficiency. Last evaluated: 2024-12-27. Review status: criteria provided, single submitter. Criteria: Natera Variant Classification Schema (03/2026). Collection method: clinical testing. Allele origin: germline.
Comment: The c.862G>A variant in CBS is a missense variant predicted to cause substitution of alanine to threonine at amino acid 288. This variant is rare in the general population with a frequency below the threshold expected for the associated phenotype(s). This variant has been identified in one or more affected individuals with a phenotype highly consistent with the associated gene (PMID: 16205833). Functional studies show that this variant may disrupt protein function (PMID: 16205833). Computational prediction algorithms indicate this variant is likely to affect gene or protein function. Given the available evidence, this variant is classified as Likely Pathogenic.

Baylor Genetics
Classification: Pathogenic for Classic homocystinuria. Last evaluated: 2023-11-17. Review status: criteria provided, single submitter. Criteria: ACMG Guidelines, 2015. Collection method: clinical testing. Allele origin: unknown.

Women's Health and Genetics/Laboratory Corporation of America, LabCorp
Classification: Likely pathogenic for Homocystinuria. Last evaluated: 2022-08-10. Review status: criteria provided, single submitter. Criteria: LabCorp Variant Classification Summary - May 2015. Collection method: clinical testing. Allele origin: germline.
Comment: Variant summary: CBS c.862G>A (p.Ala288Thr) results in a non-conservative amino acid change located in the Pyridoxal-phosphate dependent enzyme domain (IPR001926) of the encoded protein sequence. Five of five in-silico tools predict a damaging effect of the variant on protein function. The variant allele was found at a frequency of 8e-06 in 251262 control chromosomes. c.862G>A has been reported in the literature as a compound heterozygous genotype or without a second allele specified in at-least two individuals affected with Homocystinuria (example, Lee_2005, Bermudez_2006). These data indicate that the variant may be associated with disease. At least one publication reports experimental evidence evaluating an impact on protein function (Lee_2005). The most pronounced variant effect results in 4-6% of normal enzyme activity in-vitro. Two clinical diagnostic laboratories have submitted clinical-significance assessments for this variant to ClinVar after 2014 without evidence for independent evaluation. One laboratory classified the variant as likely pathogenic and one laboratory classified the variant as uncertain significance. Based on the evidence outlined above, the variant was classified as likely pathogenic.

Ambry Genetics
Classification: Likely pathogenic for Familial thoracic aortic aneurysm and aortic dissection. Last evaluated: 2022-07-22. Review status: criteria provided, single submitter. Criteria: Ambry Variant Classification Scheme 2023. Collection method: clinical testing. Allele origin: germline.
Comment: The c.862G>A (p.A288T) alteration is located in exon 10 (coding exon 8) of the CBS gene. This alteration results from a G to A substitution at nucleotide position 862, causing the alanine (A) at amino acid position 288 to be replaced by a threonine (T). Based on data from gnomAD, the A allele has an overall frequency of <0.01% (2/251262) total alleles studied. The highest observed frequency was <0.01% (1/21470) of European (Finnish) alleles. This alteration has been detected in the compound heterozygous state in trans with another pathogenic CBS alteration in an individual with CBS-related homocystinuria (Lee, 2005). This amino acid position is highly conserved in available vertebrate species. Based on internal structural analysis, A288T is slightly disruptive to the structure (McCorvie, 2014). Thin-layer chromatography analysis of NIH3T3 cells expressing p.A288T showed an approximate 96% reduction in enzymatic activity compared to wild-type (Lee, 2005). This alteration is predicted to be deleterious by in silico analysis. Based on the available evidence, this alteration is classified as likely pathogenic.

3billion
Classification: Likely pathogenic for Classic homocystinuria. Last evaluated: 2022-03-22. Review status: criteria provided, single submitter. Criteria: ACMG Guidelines, 2015. Collection method: clinical testing. Allele origin: germline. Affected: yes. Observed: 1 homozygote.
Comment: The variant has been reported to be in trans with a pathogenic variant as either compound heterozygous or homozygous in at least one similarly affected unrelated individual(PMID: 16205833). Functional assays showed that the variant had supporting level of impact on gene/protein function (PMID: 16205833). In silico tool predictions suggest damaging effect of the variant on gene or gene product (REVEL: 0.849>=0.6, 3CNET: 0.96>=0.75). A missense variant is a common mechanism. It is observed at an extremely low frequency in the gnomAD v2.1.1 dataset (total allele frequency: 0.000008). A different missense change at the same codon has been reported as pathogenic/likely pathogenic with strong evidence (ClinVar ID: VCV001192201, PMID:15365998). Therefore, this variant is classified as likely pathogenic according to the recommendation of ACMG/AMP guideline.

Counsyl
Classification: Uncertain significance for Classic homocystinuria. Last evaluated: 2017-12-28. Review status: no assertion criteria provided. Collection method: clinical testing. Allele origin: unknown. Not counted in ClinVar's aggregate classification.

Literature cited by the submitters: PubMed 16205833 (cited by 5 submitters); PubMed 22267502 (cited by 3 submitters); PubMed 32245022 (cited by Women's Health and Genetics/Laboratory Corporation of America, LabCorp); PubMed 31301157 (cited by Women's Health and Genetics/Laboratory Corporation of America, LabCorp); PubMed 16470595 (cited by 3 submitters); PubMed 21240075 (cited by Women's Health and Genetics/Laboratory Corporation of America, LabCorp); PubMed 32232970 (cited by Women's Health and Genetics/Laboratory Corporation of America, LabCorp); PubMed 25336647 (cited by Ambry Genetics); PubMed 15365998 (cited by 3billion).